The following is an entry in ClinVar:

NM_152743.4(BRAT1):c.1395+68C>T

Gene: BRAT1 (BRCA1 associated ATM activator 1; minus strand). Cytogenetic location: 7p22.3.
Variant type: single nucleotide variant.
Coding change: c.1395+68C>T on transcript NM_152743.4 (MANE Select); 68 bases into the intron after coding-DNA position 1395, C replaced by T.
Molecular consequence: intron variant.
Genome position (GRCh38, 1-based): chr7:2,540,911, G>A on the plus strand (C>T on the coding strand, the complement: BRAT1 is on the minus strand). VCF-style: chr7-2540911-G-A. GRCh37 (hg19) VCF-style: chr7-2580545-G-A.
Other names: c.870+68C>T (NM_001350627.2); c.1395+68C>T (NM_001350626.2).
Identifiers: ClinVar variation 4292026 (VCV004292026.1).

ClinVar aggregate classification (germline): Uncertain significance (1 of 4 stars; one submission).

Conditions:
Neurodevelopmental disorder with cerebellar atrophy and with or without seizures. Identifiers: MedGen C4748032, MONDO:0020841, OMIM 618056.

Submission:

3billion
Classification: Uncertain significance for Neurodevelopmental disorder with cerebellar atrophy and with or without seizures. Last evaluated: 2025-02-21. Review status: criteria provided, single submitter. Criteria: ACMG Guidelines, 2015. Collection method: clinical testing. Allele origin: germline. Affected: yes.
Comment: The variant is observed at an extremely low frequency in the gnomAD v4.1.0 dataset (total allele frequency: <0.001%). Predicted Consequence/Location: Intron variant In silico tools do not predict the variant to alter splicing and produce an abnormal transcript [SpliceAI: 0.07 (<=0.1, moderate evidence for non-spliceogenicity)]. However, functional analysis for splicing alteration may yield varying results. Therefore, this variant is classified as VUS according to the recommendation of ACMG/AMP guideline.